The following is an entry in ClinVar:

NM_003737.4(DCHS1):c.7371C>T (p.His2457=)

Gene: DCHS1 (dachsous cadherin-related 1; minus strand). Cytogenetic location: 11p15.4.
Variant type: single nucleotide variant.
Coding change: c.7371C>T on transcript NM_003737.4 (MANE Select); coding-DNA position 7371, C replaced by T.
Protein change: p.His2457=; no amino-acid change (histidine 2457 retained).
Molecular consequence: synonymous variant.
Genome position (GRCh38, 1-based): chr11:6,624,305, G>A on the plus strand (C>T on the coding strand, the complement: DCHS1 is on the minus strand). VCF-style: chr11-6624305-G-A. GRCh37 (hg19) VCF-style: chr11-6645536-G-A.
Identifiers: ClinVar variation 786588 (VCV000786588.28), dbSNP rs149485410, ClinGen allele CA5859621.

ClinVar aggregate classification (germline): Benign/Likely benign. Review status: criteria provided, multiple submitters, no conflicts (2 of 4 stars). 4 submissions from 4 submitters: Benign (1); Likely benign (3). Last evaluated 2026-03-27.

Allele frequency attached by ClinVar (database versions not stated): gnomAD exomes 0.00009 and 0.00028; ExAC 0.00074; gnomAD 0.00098 and 0.00100; TOPMed 0.00107; ESP Exome Variant Server 0.00131; 1000 Genomes Project 0.00280; 1000 Genomes Project 30x 0.00297.
gnomAD v4.1: 286 of 1,587,316 alleles (0.018%); highest among the groups gnomAD compares: African/African-American, 0.3%; no homozygotes.

Submissions (4):

Women's Health and Genetics/Laboratory Corporation of America, LabCorp
Classification: Likely benign. Last evaluated: 2026-03-27. Review status: criteria provided, single submitter. Criteria: LabCorp Variant Classification Summary - May 2015. Collection method: clinical testing. Allele origin: germline.

Labcorp Genetics (formerly Invitae), Labcorp
Classification: Benign. Last evaluated: 2025-11-16. Review status: criteria provided, single submitter. Criteria: Invitae Variant Classification Sherloc (09022015). Collection method: clinical testing. Allele origin: germline.

Blueprint Genetics
Classification: Likely benign. Last evaluated: 2024-10-18. Review status: criteria provided, single submitter. Criteria: ACMG Guidelines, 2015. Collection method: clinical testing. Allele origin: germline.

CeGaT Center for Human Genetics Tuebingen
Classification: Likely benign. Last evaluated: 2024-08-01. Review status: criteria provided, single submitter. Criteria: CeGaT Center For Human Genetics Tuebingen Variant Classification Criteria Version 2. Collection method: clinical testing. Allele origin: germline. Affected: yes. Observed: 1 variant allele.
Comment: DCHS1: BP4, BP7